The following is an entry in ClinVar:

ClinVar aggregate classification (germline): Uncertain significance (1 of 4 stars; one submission).

gnomAD v4.1: 1 of 1,604,586 alleles (0.000062%); highest among the groups gnomAD compares: African/African-American, 0.0013%; no homozygotes.

Submission:

Labcorp Genetics (formerly Invitae), Labcorp
Classification: Uncertain significance. Last evaluated: 2025-09-20. Review status: criteria provided, single submitter. Criteria: Invitae Variant Classification Sherloc (09022015). Collection method: clinical testing. Allele origin: germline.
Comment: This sequence change replaces alanine, which is neutral and non-polar, with serine, which is neutral and polar, at codon 470 of the MYLK3 protein (p.Ala470Ser). This variant is not present in population databases (gnomAD no frequency). This variant has not been reported in the literature in individuals affected with MYLK3-related conditions. An algorithm developed to predict the effect of missense changes on protein structure and function (PolyPhen-2) suggests that this variant is likely to be tolerated. In summary, the available evidence is currently insufficient to determine the role of this variant in disease. Therefore, it has been classified as a Variant of Uncertain Significance.

NM_182493.3(MYLK3):c.1408G>T (p.Ala470Ser)

Gene: MYLK3 (myosin light chain kinase 3; minus strand). Cytogenetic location: 16q11.2.
Variant type: single nucleotide variant.
Coding change: c.1408G>T on transcript NM_182493.3 (MANE Select); coding-DNA position 1408, G replaced by T.
Protein change: p.Ala470Ser; replaces alanine 470 with serine.
Molecular consequence: missense variant.
Genome position (GRCh38, 1-based): chr16:46,732,262, C>A on the plus strand (G>T on the coding strand, the complement: MYLK3 is on the minus strand). VCF-style: chr16-46732262-C-A. GRCh37 (hg19) VCF-style: chr16-46766174-C-A.
Other names: c.385G>T, p.Ala129Ser (NM_001308301.1); short protein forms A470S, A129S.
Identifiers: ClinVar variation 4774908 (VCV004774908.1).